The following is an entry in ClinVar:

ClinVar aggregate classification (germline): Likely pathogenic (1 of 4 stars; one submission).

Conditions:
Ehlers-Danlos syndrome, dermatosparaxis type. Also called: Dermatosparaxis; EDS VIIC; Ehlers-Danlos syndrome, type VII, autosomal recessive. Identifiers: Orphanet 1901, MedGen C2700425, MONDO:0009161, OMIM 225410.

Submission:

Labcorp Genetics (formerly Invitae), Labcorp
Classification: Likely pathogenic for Ehlers-Danlos syndrome, dermatosparaxis type. Last evaluated: 2020-08-23. Review status: criteria provided, single submitter. Criteria: Invitae Variant Classification Sherloc (09022015). Collection method: clinical testing. Allele origin: germline.
Comment: In summary, the currently available evidence indicates that the variant is pathogenic, but additional data are needed to prove that conclusively. Therefore, this variant has been classified as Likely Pathogenic. Loss-of-function variants in ADAMTS2 are known to be pathogenic (PMID: 10417273). This variant has not been reported in the literature in individuals with ADAMTS2-related conditions. This variant results in a copy number gain of the genomic region encompassing exon(s) 12-17 of the ADAMTS2 gene. While the exact position of this variant cannot be determined from the data, sub-genic copy number gains are generally in tandem (PMID: 25640679). This variant is predicted to be out-of-frame, and may result in an absent or disrupted protein product.

Literature cited by the submitters: PubMed 10417273; PubMed 25640679.

NC_000005.9:g.(?_178554950)_(178564955_?)dup

Gene: ADAMTS2 (ADAM metallopeptidase with thrombospondin type 1 motif 2; minus strand). Cytogenetic location: 5q35.3.
Variant type: Duplication.
Identifiers: ClinVar variation 1066627 (VCV001066627.7).